The following is an entry in ClinVar:

NM_000257.4(MYH7):c.5360A>G (p.Glu1787Gly)

Gene: MYH7 (myosin heavy chain 7; minus strand). Cytogenetic location: 14q11.2.
Variant type: single nucleotide variant.
Coding change: c.5360A>G on transcript NM_000257.4 (MANE Select); coding-DNA position 5360, A replaced by G.
Protein change: p.Glu1787Gly; replaces glutamic acid 1787 with glycine.
Molecular consequence: missense variant.
Genome position (GRCh38, 1-based): chr14:23,415,194, T>C on the plus strand (A>G on the coding strand, the complement: MYH7 is on the minus strand). VCF-style: chr14-23415194-T-C. GRCh37 (hg19) VCF-style: chr14-23884403-T-C.
Other names: c.5360A>G, p.Glu1787Gly (NM_001407004.1); short protein forms E1787G.
Identifiers: ClinVar variation 1747071 (VCV001747071.2), dbSNP rs2502239521, ClinGen allele CA389035729.
Genomic context (GRCh38, chr14:23,415,194, plus strand): 5'-CCCTTGAGGGCGATCTGCTCGGCTTCGTCCAGCCGGTGCTGCAGGTCCTTAATGGTCTGT[T>C]CCATGTTCTTCTTCATGCGCTCCAGGTGGGCGCTGGTGTCCTGCTCCTTCTTCAGCTCCT-3'
Protein context (NP_000248.2, residues 1777-1797): AHLERMKKNM[Glu1787Gly]QTIKDLQHRL

ClinVar aggregate classification (germline): Uncertain significance (1 of 4 stars; one submission).

Conditions:
Cardiovascular phenotype. Identifiers: MedGen CN230736.

Submission:

Ambry Genetics
Classification: Uncertain significance for Cardiovascular phenotype. Last evaluated: 2021-04-14. Review status: criteria provided, single submitter. Criteria: Ambry Variant Classification Scheme 2023. Collection method: clinical testing. Allele origin: germline.
Comment: The p.E1787G variant (also known as c.5360A>G), located in coding exon 35 of the MYH7 gene, results from an A to G substitution at nucleotide position 5360. The glutamic acid at codon 1787 is replaced by glycine, an amino acid with similar properties. This amino acid position is highly conserved in available vertebrate species. In addition, this alteration is predicted to be deleterious by in silico analysis. Since supporting evidence is limited at this time, the clinical significance of this alteration remains unclear.